The following is an entry in ClinVar:

NM_001278116.2(L1CAM):c.147C>T (p.Pro49=)

Gene: L1CAM (L1 cell adhesion molecule; minus strand). Cytogenetic location: Xq28.
Variant type: single nucleotide variant.
Coding change: c.147C>T on transcript NM_001278116.2 (MANE Select); coding-DNA position 147, C replaced by T.
Protein change: p.Pro49=; no amino-acid change (proline 49 retained).
Molecular consequence: synonymous variant.
Genome position (GRCh38, 1-based): chrX:153,872,642, G>A on the plus strand (C>T on the coding strand, the complement: L1CAM is on the minus strand). VCF-style: chrX-153872642-G-A. GRCh37 (hg19) VCF-style: chrX-153138097-G-A.
Other names: c.147C>T, p.Pro49= (NM_000425.5, NM_024003.3); c.132C>T, p.Pro44= (NM_001143963.2); c.147C>T (NM_000425.4).
Identifiers: ClinVar variation 2148562 (VCV002148562.6), dbSNP rs1195982808, ClinGen allele CA519212759.

ClinVar aggregate classification (germline): Benign. Review status: criteria provided, single submitter (1 of 4 stars). 2 submissions from 2 submitters: Benign (1). 1 of the submissions does not count toward it. Last evaluated 2022-02-03.

Conditions:
L1CAM-related disorder. Also called: L1CAM-related condition.
Spastic paraplegia. Identifiers: MedGen C0037772, HP:0001258.

Allele frequency attached by ClinVar (database versions not stated): gnomAD exomes below 0.00001; TOPMed 0.00001.
gnomAD v4.1: 4 of 1,210,722 alleles (0.00033%); highest among the groups gnomAD compares: Non-Finnish European, 0.00045%; no homozygotes.

Submissions (2):

Labcorp Genetics (formerly Invitae), Labcorp
Classification: Benign for Spastic paraplegia. Last evaluated: 2022-02-03. Review status: criteria provided, single submitter. Criteria: Invitae Variant Classification Sherloc (09022015). Collection method: clinical testing. Allele origin: germline.

PreventionGenetics, part of Exact Sciences
Classification: Likely benign for L1CAM-related condition. Last evaluated: 2022-06-21. Review status: no assertion criteria provided. Collection method: clinical testing. Allele origin: germline. Not counted in ClinVar's aggregate classification.
Comment: This variant is classified as likely benign based on ACMG/AMP sequence variant interpretation guidelines (Richards et al. 2015 PMID: 25741868, with internal and published modifications).